The following is an entry in ClinVar:

ClinVar aggregate classification (germline): Pathogenic (1 of 4 stars; one submission).

Conditions:
Hereditary cancer-predisposing syndrome. Also called: Neoplastic Syndromes, Hereditary; Tumor predisposition; Hereditary Cancer Syndrome; Hereditary neoplastic syndrome. Identifiers: Orphanet 140162, MedGen C0027672, MeSH D009386, MONDO:0015356.

Submission:

Ambry Genetics
Classification: Pathogenic for Hereditary cancer-predisposing syndrome. Last evaluated: 2024-07-06. Review status: criteria provided, single submitter. Criteria: Ambry Variant Classification Scheme 2023. Collection method: clinical testing. Allele origin: germline.
Comment: The p.L236* pathogenic mutation (also known as c.707T>A), located in coding exon 7 of the PMS2 gene, results from a T to A substitution at nucleotide position 707. This changes the amino acid from a leucine to a stop codon within coding exon 7. This variant is considered to be rare based on population cohorts in the Genome Aggregation Database (gnomAD). This alteration is expected to result in loss of function by premature protein truncation or nonsense-mediated mRNA decay. As such, this alteration is interpreted as a disease-causing mutation.

Literature cited by the submitters: PubMed 31992580.

NM_000535.7(PMS2):c.707T>A (p.Leu236Ter)

Gene: PMS2 (PMS1 homolog 2, mismatch repair system component; minus strand). Cytogenetic location: 7p22.1.
Variant type: single nucleotide variant.
Coding change: c.707T>A on transcript NM_000535.7 (MANE Select); coding-DNA position 707, T replaced by A.
Protein change: p.Leu236Ter; replaces leucine 236 with a stop codon.
Molecular consequence: nonsense. On other transcripts: 5 prime UTR variant (2), non-coding transcript variant (1), intron variant (3).
Genome position (GRCh38, 1-based): chr7:5,997,422, A>T on the plus strand (T>A on the coding strand, the complement: PMS2 is on the minus strand). VCF-style: chr7-5997422-A-T. GRCh37 (hg19) VCF-style: chr7-6037053-A-T.
Other names: c.302T>A, p.Leu101Ter (NM_001322003.2, NM_001322004.2, NM_001322005.2 and 19 more transcripts); c.707T>A, p.Leu236Ter (NM_001322006.2, NM_001322014.2, NM_001406870.1 and 3 more transcripts); c.389T>A, p.Leu130Ter (NM_001322007.2, NM_001322008.2, NM_001406876.1 and 4 more transcripts); c.-227T>A (NM_001322011.2, NM_001322012.2); c.134T>A, p.Leu45Ter (NM_001322013.2, NM_001406909.1); c.398T>A, p.Leu133Ter (NM_001322015.2, NM_001406875.1, NM_001406877.1 and 6 more transcripts); c.893T>A, p.Leu298Ter (NM_001406866.1); c.731T>A, p.Leu244Ter (NM_001406868.1); and 7 more; short protein forms L180*, L298*, L65*, L124*, L200*, L236*, L101*, L130*.
Identifiers: ClinVar variation 3421434 (VCV003421434.1).